The following is an entry in ClinVar:

NC_000012.11:g.(?_53714329)_(53715249_?)del

Gene: AAAS (aladin WD repeat nucleoporin; minus strand). Cytogenetic location: 12q13.13.
Variant type: Deletion.
Identifiers: ClinVar variation 2426210 (VCV002426210.4).

ClinVar aggregate classification (germline): Pathogenic (1 of 4 stars; one submission).

Submission:

Labcorp Genetics (formerly Invitae), Labcorp
Classification: Pathogenic. Last evaluated: 2023-09-12. Review status: criteria provided, single submitter. Criteria: Invitae Variant Classification Sherloc (09022015). Collection method: clinical testing. Allele origin: germline.
Comment: For these reasons, this variant has been classified as Pathogenic. This variant has not been reported in the literature in individuals affected with AAAS-related conditions. This variant is a gross deletion of the genomic region encompassing exon(s) 1-2 of the AAAS gene, which includes the initiator codon. This deletion extends beyond the assayed region for this gene and therefore may encompass additional genes. It is expected to result in an absent or disrupted protein product. Loss-of-function variants in AAAS are known to be pathogenic (PMID: 11159947).

Literature cited by the submitters: PubMed 11159947.